The following is an entry in ClinVar:

ClinVar aggregate classification (germline): Uncertain significance (1 of 4 stars; one submission).

Conditions:
Renal cell carcinoma. Identifiers: Orphanet 217071, MedGen C0007134, MeSH D002292, MONDO:0005086, HP:0005584.

Submission:

Labcorp Genetics (formerly Invitae), Labcorp
Classification: Uncertain significance for Renal cell carcinoma. Last evaluated: 2025-07-22. Review status: criteria provided, single submitter. Criteria: Invitae Variant Classification Sherloc (09022015). Collection method: clinical testing. Allele origin: germline.
Comment: This sequence change replaces glutamic acid, which is acidic and polar, with valine, which is neutral and non-polar, at codon 1168 of the MET protein (p.Glu1168Val). This variant is not present in population databases (gnomAD no frequency). This variant has not been reported in the literature in individuals affected with MET-related conditions. Invitae Evidence Modeling of protein sequence and biophysical properties (such as structural, functional, and spatial information, amino acid conservation, physicochemical variation, residue mobility, and thermodynamic stability) indicates that this missense variant is expected to disrupt MET protein function with a positive predictive value of 80%. In summary, the available evidence is currently insufficient to determine the role of this variant in disease. Therefore, it has been classified as a Variant of Uncertain Significance.

NM_000245.4(MET):c.3449A>T (p.Glu1150Val)

Gene: MET (MET proto-oncogene, receptor tyrosine kinase; plus strand). Cytogenetic location: 7q31.2.
Variant type: single nucleotide variant.
Coding change: c.3449A>T on transcript NM_000245.4 (MANE Select); coding-DNA position 3449, A replaced by T.
Protein change: p.Glu1150Val; replaces glutamic acid 1150 with valine.
Molecular consequence: missense variant.
Genome position (GRCh38, 1-based): chr7:116,778,884, A>T. VCF-style: chr7-116778884-A-T. GRCh37 (hg19) VCF-style: chr7-116418938-A-T.
Other names: c.3503A>T, p.Glu1168Val (NM_001127500.3); c.2159A>T, p.Glu720Val (NM_001324402.2); short protein forms E1150V, E1168V, E720V.
Identifiers: ClinVar variation 4807442 (VCV004807442.1).